The following is an entry in ClinVar:

ClinVar aggregate classification (germline): Uncertain significance (1 of 4 stars; one submission).

Conditions:
Inborn genetic diseases. Identifiers: MedGen C0950123, MeSH D030342.

Submission:

Ambry Genetics
Classification: Uncertain significance for Inborn genetic diseases. Last evaluated: 2025-05-10. Review status: criteria provided, single submitter. Criteria: Ambry Variant Classification Scheme 2023. Collection method: clinical testing. Allele origin: germline.
Comment: The p.S1360G variant (also known as c.4078A>G), located in coding exon 1 of the SAMD9 gene, results from an A to G substitution at nucleotide position 4078. The serine at codon 1360 is replaced by glycine, an amino acid with similar properties. This amino acid position is conserved. In addition, this alteration is predicted to be tolerated by in silico analysis. Based on the available evidence, the clinical significance of this variant remains unclear.

NM_017654.4(SAMD9):c.4078A>G (p.Ser1360Gly)

Gene: SAMD9 (sterile alpha motif domain containing 9; minus strand). Cytogenetic location: 7q21.2.
Variant type: single nucleotide variant.
Coding change: c.4078A>G on transcript NM_017654.4 (MANE Select); coding-DNA position 4078, A replaced by G.
Protein change: p.Ser1360Gly; replaces serine 1360 with glycine.
Molecular consequence: missense variant.
Genome position (GRCh38, 1-based): chr7:93,102,020, T>C on the plus strand (A>G on the coding strand, the complement: SAMD9 is on the minus strand). VCF-style: chr7-93102020-T-C. GRCh37 (hg19) VCF-style: chr7-92731333-T-C.
Other names: c.4078A>G, p.Ser1360Gly (NM_001193307.2); short protein forms S1360G.
Identifiers: ClinVar variation 3949620 (VCV003949620.1).